The following is an entry in ClinVar:

ClinVar aggregate classification (germline): Conflicting classifications of pathogenicity. Review status: criteria provided, conflicting classifications (1 of 4 stars). 2 submissions from 2 submitters: Uncertain significance (1); Benign (1). Last evaluated 2022-10-02.

Conditions:
Greig cephalopolysyndactyly syndrome (GCPS). Also called: Greig syndrome; POLYSYNDACTYLY WITH PECULIAR SKULL SHAPE; GLI3-Related Greig Cephalopolysyndactyly Syndrome. Identifiers: Orphanet 380, MedGen C0265306, MONDO:0008287, OMIM 175700.
Pallister-Hall syndrome (PHS). Also called: GLI3-Related Pallister-Hall Syndrome; HYPOTHALAMIC HAMARTOBLASTOMA, HYPOPITUITARISM, IMPERFORATE ANUS, AND POSTAXIAL POLYDACTYLY. Identifiers: Orphanet 672, MedGen C0265220, MONDO:0007804, OMIM 146510.

gnomAD v4.1: 8 of 1,614,114 alleles (0.0005%); highest among the groups gnomAD compares: African/African-American, 0.0027%; no homozygotes.

Submissions (2):

Labcorp Genetics (formerly Invitae), Labcorp
Classification: Benign for Pallister-Hall syndrome; Greig cephalopolysyndactyly syndrome. Last evaluated: 2022-10-02. Review status: criteria provided, single submitter. Criteria: Invitae Variant Classification Sherloc (09022015). Collection method: clinical testing. Allele origin: germline.

GeneDx
Classification: Uncertain significance. Last evaluated: 2017-01-25. Review status: criteria provided, single submitter. Criteria: GeneDx Variant Classification (06012015). Collection method: clinical testing. Allele origin: germline. Affected: yes.
Comment: The c.2331 C>T variant has not been published as a pathogenic variant, nor has it been reported as a benign variant to our knowledge. This variant is not observed in large population cohorts (Lek et al., 2016; 1000 Genomes Consortium et al., 2015; Exome Variant Server). The c.2331 C>T substitution results in a synonymous amino acid substitution, H777H, which may impact splicing. However, in-silico analyses, including splice predictors and evolutionary conservation, support that this variant does not alter protein structure/function. In the absence of RNA/functional studies, the actual effect of this sequence change in this individual is unknown. Therefore, based on the currently available information, it is unclear whether this variant is a pathogenic variant or a rare benign variant.

NM_000168.6(GLI3):c.2331C>T (p.His777=)

Gene: GLI3 (GLI family zinc finger 3; minus strand). Cytogenetic location: 7p14.1.
Variant type: single nucleotide variant.
Coding change: c.2331C>T on transcript NM_000168.6 (MANE Select); coding-DNA position 2331, C replaced by T.
Protein change: p.His777=; no amino-acid change (histidine 777 retained).
Molecular consequence: synonymous variant.
Genome position (GRCh38, 1-based): chr7:41,967,696, G>A on the plus strand (C>T on the coding strand, the complement: GLI3 is on the minus strand). VCF-style: chr7-41967696-G-A. GRCh37 (hg19) VCF-style: chr7-42007294-G-A.
Identifiers: ClinVar variation 393203 (VCV000393203.6), dbSNP rs1057524835, ClinGen allele CA16605109.